The following is an entry in ClinVar:

NM_001743.6(CALM2):c.34+5G>C

Gene: CALM2 (calmodulin 2; minus strand). Cytogenetic location: 2p21.
Variant type: single nucleotide variant.
Coding change: c.34+5G>C on transcript NM_001743.6 (MANE Select); 5 bases into the intron after coding-DNA position 34, G replaced by C.
Molecular consequence: intron variant.
Genome position (GRCh38, 1-based): chr2:47,170,729, C>G on the plus strand (G>C on the coding strand, the complement: CALM2 is on the minus strand). VCF-style: chr2-47170729-C-G. GRCh37 (hg19) VCF-style: chr2-47397868-C-G.
Other names: c.178+5G>C (NM_001305624.1); c.-75+5G>C (NM_001305626.1, NM_001305625.2).
Identifiers: ClinVar variation 2720409 (VCV002720409.3), dbSNP rs2465729703, ClinGen allele CA2697548029.

ClinVar aggregate classification (germline): Uncertain significance (1 of 4 stars; one submission).

Conditions:
Long QT syndrome 1 (LQT1). Identifiers: Orphanet 101016, Orphanet 768, MedGen C4551647, MONDO:0100316, OMIM 192500, MONDO:0008646.

Submission:

Labcorp Genetics (formerly Invitae), Labcorp
Classification: Uncertain significance for Long QT syndrome 1. Last evaluated: 2023-06-21. Review status: criteria provided, single submitter. Criteria: Invitae Variant Classification Sherloc (09022015). Collection method: clinical testing. Allele origin: germline.
Comment: In summary, the available evidence is currently insufficient to determine the role of this variant in disease. Therefore, it has been classified as a Variant of Uncertain Significance. This sequence change falls in intron 2 of the CALM2 gene. It does not directly change the encoded amino acid sequence of the CALM2 protein. It affects a nucleotide within the consensus splice site. This variant is not present in population databases (gnomAD no frequency). This variant has not been reported in the literature in individuals affected with CALM2-related conditions. Variants that disrupt the consensus splice site are a relatively common cause of aberrant splicing (PMID: 17576681, 9536098). Algorithms developed to predict the effect of sequence changes on RNA splicing suggest that this variant may disrupt the consensus splice site.

Literature cited by the submitters: PubMed 17576681; PubMed 9536098.